The following is an entry in ClinVar:

NM_001099857.5(IKBKG):c.672-2A>G

Gene: IKBKG (inhibitor of nuclear factor kappa B kinase regulatory subunit gamma; plus strand). Cytogenetic location: Xq28.
Variant type: single nucleotide variant.
Coding change: c.672-2A>G on transcript NM_001099857.5 (MANE Select); the canonical splice acceptor site of the intron before coding-DNA position 672, A replaced by G.
Molecular consequence: splice acceptor variant. On other transcripts: intron variant (1).
Genome position (GRCh38, 1-based): chrX:154,561,686, A>G. VCF-style: chrX-154561686-A-G. GRCh37 (hg19) VCF-style: chrX-153789901-A-G.
Other names: c.672-2A>G (NM_001377312.1, NM_001321396.3, NM_003639.4); c.669-2A>G (NM_001377313.1, NM_001321397.3); c.876-2A>G (NM_001099856.6); c.519-2A>G (NM_001145255.4); c.516-2A>G (NM_001377314.1); c.400-1124A>G (NM_001377315.1).
Identifiers: ClinVar variation 372385 (VCV000372385.2), dbSNP rs1057517746, ClinGen allele CA16043298.

ClinVar aggregate classification (germline): Pathogenic (1 of 4 stars; one submission).

Submission:

GeneDx
Classification: Pathogenic. Last evaluated: 2016-07-25. Review status: criteria provided, single submitter. Criteria: GeneDx Variant Classification (06012015). Collection method: clinical testing. Allele origin: germline. Affected: yes.
Comment: The c.672-2 A>G splice site variant in the IKBKG gene destroys the canonical splice acceptor site in intron 5. It is predicted to cause abnormal gene splicing, either leading to an abnormal message that is subject to nonsense-mediated mRNA decay, or to an abnormal protein product if the message is used for protein translation. Although this variant has not been previously reported to our knowledge, we interpret is as pathogenic.